The following is an entry in ClinVar:

NM_005450.6(NOG):c.389C>T (p.Ala130Val)

Gene: NOG (noggin; plus strand). Cytogenetic location: 17q22.
Variant type: single nucleotide variant.
Coding change: c.389C>T on transcript NM_005450.6 (MANE Select); coding-DNA position 389, C replaced by T.
Protein change: p.Ala130Val; replaces alanine 130 with valine.
Molecular consequence: missense variant.
Genome position (GRCh38, 1-based): chr17:56,594,612, C>T. VCF-style: chr17-56594612-C-T. GRCh37 (hg19) VCF-style: chr17-54671973-C-T.
Other names: short protein forms A130V.
Identifiers: ClinVar variation 3371335 (VCV003371335.1).

ClinVar aggregate classification (germline): Uncertain significance (1 of 4 stars; one submission).

Submission:

GeneDx
Classification: Uncertain significance. Last evaluated: 2024-03-27. Review status: criteria provided, single submitter. Criteria: GeneDx Variant Classification Process June 2021. Collection method: clinical testing. Allele origin: germline. Affected: yes.
Comment: In silico analysis supports that this missense variant does not alter protein structure/function; Has not been previously published as pathogenic or benign to our knowledge